The following is an entry in ClinVar:

NM_030662.4(MAP2K2):c.1070G>A (p.Arg357Gln)

Gene: MAP2K2 (mitogen-activated protein kinase kinase 2; minus strand). Cytogenetic location: 19p13.3.
Variant type: single nucleotide variant.
Coding change: c.1070G>A on transcript NM_030662.4 (MANE Select); coding-DNA position 1070, G replaced by A.
Protein change: p.Arg357Gln; replaces arginine 357 with glutamine.
Molecular consequence: missense variant.
Genome position (GRCh38, 1-based): chr19:4,094,475, C>T on the plus strand (G>A on the coding strand, the complement: MAP2K2 is on the minus strand). VCF-style: chr19-4094475-C-T. GRCh37 (hg19) VCF-style: chr19-4094473-C-T.
Other names: short protein forms R357Q.
Identifiers: ClinVar variation 4705082 (VCV004705082.1), dbSNP rs201110543.

ClinVar aggregate classification (germline): Uncertain significance (1 of 4 stars; one submission).

Conditions:
RASopathy. Also called: rasopathies; Noonan spectrum disorder. Identifiers: Orphanet 536391, MedGen C5555857, MONDO:0021060.

gnomAD v4.1: 13 of 1,568,250 alleles (0.00083%); highest among the groups gnomAD compares: Admixed American, 0.0057%; no homozygotes.

Submission:

Labcorp Genetics (formerly Invitae), Labcorp
Classification: Uncertain significance for RASopathy. Last evaluated: 2025-07-24. Review status: criteria provided, single submitter. Criteria: Invitae Variant Classification Sherloc (09022015). Collection method: clinical testing. Allele origin: germline.
Comment: This sequence change replaces arginine, which is basic and polar, with glutamine, which is neutral and polar, at codon 357 of the MAP2K2 protein (p.Arg357Gln). The frequency data for this variant in the population databases is considered unreliable, as metrics indicate poor data quality at this position in the gnomAD database. This variant has not been reported in the literature in individuals affected with MAP2K2-related conditions. Invitae Evidence Modeling of protein sequence and biophysical properties (such as structural, functional, and spatial information, amino acid conservation, physicochemical variation, residue mobility, and thermodynamic stability) has been performed for this missense variant. However, the output from this modeling did not meet the statistical confidence thresholds required to predict the impact of this variant on MAP2K2 protein function. In summary, the available evidence is currently insufficient to determine the role of this variant in disease. Therefore, it has been classified as a Variant of Uncertain Significance.